The following is an entry in ClinVar:

NM_004006.3(DMD):c.6164T>C (p.Ile2055Thr)

Gene: DMD (dystrophin; minus strand). Cytogenetic location: Xp21.1.
Variant type: single nucleotide variant.
Coding change: c.6164T>C on transcript NM_004006.3 (MANE Select); coding-DNA position 6164, T replaced by C.
Protein change: p.Ile2055Thr; replaces isoleucine 2055 with threonine.
Molecular consequence: missense variant.
Genome position (GRCh38, 1-based): chrX:32,287,655, A>G on the plus strand (T>C on the coding strand, the complement: DMD is on the minus strand). VCF-style: chrX-32287655-A-G. GRCh37 (hg19) VCF-style: chrX-32305772-A-G.
Other names: c.6140T>C, p.Ile2047Thr (NM_000109.4); c.6152T>C, p.Ile2051Thr (NM_004009.3); c.5795T>C, p.Ile1932Thr (NM_004010.3); c.2141T>C, p.Ile714Thr (NM_004011.4); c.2132T>C, p.Ile711Thr (NM_004012.4); short protein forms I1932T, I2047T, I2055T, I714T, I2051T, I711T.
Identifiers: ClinVar variation 4776194 (VCV004776194.1).

ClinVar aggregate classification (germline): Uncertain significance (1 of 4 stars; one submission).

Conditions:
Duchenne muscular dystrophy (DMD). Also called: MUSCULAR DYSTROPHY, PSEUDOHYPERTROPHIC PROGRESSIVE, DUCHENNE TYPE; Duchenne Muscular Dystrophy (DMD). Identifiers: Orphanet 98896, MedGen C0013264, MONDO:0010679, OMIM 310200.

gnomAD v4.1: 1 of 1,210,287 alleles (0.000083%); highest among the groups gnomAD compares: Non-Finnish European, 0.00011%; no homozygotes.

Submission:

Labcorp Genetics (formerly Invitae), Labcorp
Classification: Uncertain significance for Duchenne muscular dystrophy. Last evaluated: 2025-08-06. Review status: criteria provided, single submitter. Criteria: Invitae Variant Classification Sherloc (09022015). Collection method: clinical testing. Allele origin: germline.
Comment: This sequence change replaces isoleucine, which is neutral and non-polar, with threonine, which is neutral and polar, at codon 2055 of the DMD protein (p.Ile2055Thr). This variant is not present in population databases (gnomAD no frequency). This variant has not been reported in the literature in individuals affected with DMD-related conditions. Invitae Evidence Modeling of protein sequence and biophysical properties (such as structural, functional, and spatial information, amino acid conservation, physicochemical variation, residue mobility, and thermodynamic stability) indicates that this missense variant is not expected to disrupt DMD protein function with a negative predictive value of 95%. In summary, the available evidence is currently insufficient to determine the role of this variant in disease. Therefore, it has been classified as a Variant of Uncertain Significance.